The following is an entry in ClinVar:

NM_000481.4(AMT):c.259-2A>T

Gene: AMT (aminomethyltransferase; minus strand). Cytogenetic location: 3p21.31.
Variant type: single nucleotide variant.
Coding change: c.259-2A>T on transcript NM_000481.4 (MANE Select); the canonical splice acceptor site of the intron before coding-DNA position 259, A replaced by T.
Molecular consequence: splice acceptor variant.
Genome position (GRCh38, 1-based): chr3:49,421,574, T>A on the plus strand (A>T on the coding strand, the complement: AMT is on the minus strand). VCF-style: chr3-49421574-T-A. GRCh37 (hg19) VCF-style: chr3-49459007-T-A.
Other names: c.91-2A>T (NM_001164711.2); c.259-2A>T (NM_001164710.2, NM_001164712.2, NM_000481.3).
Identifiers: ClinVar variation 2676715 (VCV002676715.4), dbSNP rs748522054, ClinGen allele CA2398417.

ClinVar aggregate classification (germline): Pathogenic (1 of 4 stars; one submission).

Conditions:
Glycine encephalopathy. Also called: Nonketotic hyperglycinemia; Non-ketotic hyperglycinemia. Identifiers: Orphanet 407, MedGen C0751748, MONDO:0011612, HP:0008288.

Allele frequency attached by ClinVar (database versions not stated): TOPMed below 0.00001; ExAC 0.00001; gnomAD exomes 0.00001.
gnomAD v4.1: 4 of 1,613,592 alleles (0.00025%); highest among the groups gnomAD compares: South Asian, 0.0044%; no homozygotes.

Submission:

Natera, Inc.
Classification: Pathogenic for Non-ketotic hyperglycinemia. Last evaluated: 2026-01-26. Review status: criteria provided, single submitter. Criteria: Natera Variant Classification Schema (03/2026). Collection method: clinical testing. Allele origin: germline.
Comment: The c.259-2A>T variant in AMT is a canonical splice acceptor site variant predicted to affect pre-mRNA splicing, which may result in an abnormal transcript and altered protein product. This variant is expected to result in nonsense mediated decay, truncation, or a dysfunctional protein product. This variant is rare in the general population with a frequency below the threshold expected for the associated phenotype(s). Another variant at this same site results in an alteration predicted to cause a similar molecular effect has been observed in individual(s) with the associated phenotype. Given the available evidence, this variant is classified as Pathogenic.